The following is an entry in ClinVar:

ClinVar aggregate classification (germline): Pathogenic (1 of 4 stars; one submission).

Submission:

Labcorp Genetics (formerly Invitae), Labcorp
Classification: Pathogenic. Last evaluated: 2025-09-20. Review status: criteria provided, single submitter. Criteria: Invitae Variant Classification Sherloc (09022015). Collection method: clinical testing. Allele origin: germline.
Comment: This sequence change creates a premature translational stop signal (p.Met196Valfs*2) in the HARS2 gene. It is expected to result in an absent or disrupted protein product. Loss-of-function variants in HARS2 are known to be pathogenic (PMID: 31827252). This variant is not present in population databases (gnomAD no frequency). This variant has not been reported in the literature in individuals affected with HARS2-related conditions. For these reasons, this variant has been classified as Pathogenic.

Literature cited by the submitters: PubMed 31827252.

NM_012208.4(HARS2):c.586_587del (p.Met196fs)

Gene: HARS2 (histidyl-tRNA synthetase 2, mitochondrial; plus strand). Cytogenetic location: 5q31.3.
Variant type: Deletion.
Coding change: c.586_587del on transcript NM_012208.4 (MANE Select); coding-DNA positions 586 to 587, 2 bases deleted (AT; older notation c.586_587delAT).
Protein change: p.Met196fs; shifts the reading frame from methionine 196.
Molecular consequence: frameshift variant.
Genome position (GRCh38, 1-based): chr5:140,695,798-140,695,799, AT deleted. VCF-style (leftmost placement, unchanged base first): chr5-140695797-CAT-C. GRCh37 (hg19) VCF-style: chr5-140075382-CAT-C.
Other names: c.511_512del, p.Met171fs (NM_001278731.2); c.154_155del, p.Met52fs (NM_001278732.2); c.604_605del, p.Met202fs (NM_001363535.2); c.376_377del, p.Met126fs (NM_001363536.2); short protein forms M126fs, M52fs, M171fs, M196fs, M202fs.
Identifiers: ClinVar variation 4692851 (VCV004692851.1).